The following is an entry in ClinVar:

ClinVar aggregate classification (germline): Uncertain significance. Review status: criteria provided, single submitter (1 of 4 stars). 2 submissions from 2 submitters: Uncertain significance (1). 1 of the submissions does not count toward it. Last evaluated 2023-04-13.

Conditions:
Ataxia-telangiectasia syndrome (AT). Also called: Cerebello-oculocutaneous telangiectasia; Immunodeficiency with ataxia telangiectasia; Ataxia-telangiectasia, complementation group E; Ataxia-telangiectasia, complementation group D; AT, COMPLEMENTATION GROUP C; ATAXIA-TELANGIECTASIA, COMPLEMENTATION GROUP A. Identifiers: Orphanet 100, MedGen C0004135, MONDO:0008840, OMIM 208900.
Hereditary cancer-predisposing syndrome. Also called: Hereditary Cancer Syndrome; Neoplastic Syndromes, Hereditary; Hereditary neoplastic syndrome; Tumor predisposition. Identifiers: Orphanet 140162, MedGen C0027672, MeSH D009386, MONDO:0015356.

Submissions (2):

Ambry Genetics
Classification: Uncertain significance for Hereditary cancer-predisposing syndrome. Last evaluated: 2023-04-13. Review status: criteria provided, single submitter. Criteria: Ambry Variant Classification Scheme 2023. Collection method: clinical testing. Allele origin: germline.
Comment: The p.R362G variant (also known as c.1084A>G), located in coding exon 8 of the ATM gene, results from an A to G substitution at nucleotide position 1084. The arginine at codon 362 is replaced by glycine, an amino acid with dissimilar properties. This amino acid position is not well conserved in available vertebrate species. In addition, the in silico prediction for this alteration is inconclusive. Since supporting evidence is limited at this time, the clinical significance of this alteration remains unclear.

Natera, Inc.
Classification: Uncertain significance for Ataxia-telangiectasia. Last evaluated: 2020-02-26. Review status: no assertion criteria provided. Collection method: clinical testing. Allele origin: germline. Not counted in ClinVar's aggregate classification.

NM_000051.4(ATM):c.1084A>G (p.Arg362Gly)

Gene: ATM (ATM serine/threonine kinase; plus strand). Cytogenetic location: 11q22.3.
Variant type: single nucleotide variant.
Coding change: c.1084A>G on transcript NM_000051.4 (MANE Select); coding-DNA position 1084, A replaced by G.
Protein change: p.Arg362Gly; replaces arginine 362 with glycine.
Molecular consequence: missense variant.
Genome position (GRCh38, 1-based): chr11:108,248,951, A>G. VCF-style: chr11-108248951-A-G. GRCh37 (hg19) VCF-style: chr11-108119678-A-G.
Other names: c.1084A>G, p.Arg362Gly (NM_001351834.2); short protein forms R362G.
Identifiers: ClinVar variation 822134 (VCV000822134.6), dbSNP rs1591517251, ClinGen allele CA382532349.